The following is an entry in ClinVar:

ClinVar aggregate classification (germline): Likely benign. Review status: criteria provided, multiple submitters, no conflicts (2 of 4 stars). 5 submissions from 5 submitters: Likely benign (4). 1 of the submissions does not count toward it. Last evaluated 2025-12-17.

Conditions:
Carcinoma of colon (CRC). Also called: Colonic carcinoma; Colon carcinoma. Identifiers: MedGen C0699790, MONDO:0002032.

Allele frequency attached by ClinVar (database versions not stated): gnomAD exomes 0.00001; TOPMed 0.00002; ExAC 0.00001; gnomAD 0.00001.
gnomAD v4.1: 20 of 1,612,478 alleles (0.0012%); highest among the groups gnomAD compares: Admixed American, 0.005%; no homozygotes.

Submissions (5):

Labcorp Genetics (formerly Invitae), Labcorp
Classification: Likely benign. Last evaluated: 2025-12-17. Review status: criteria provided, single submitter. Criteria: Invitae Variant Classification Sherloc (09022015). Collection method: clinical testing. Allele origin: germline.

Blueprint Genetics
Classification: Likely benign. Last evaluated: 2023-01-12. Review status: criteria provided, single submitter. Criteria: ACMG Guidelines, 2015. Collection method: clinical testing. Allele origin: germline.

GeneDx
Classification: Likely benign. Last evaluated: 2018-12-06. Review status: criteria provided, single submitter. Criteria: GeneDx Variant Classification Process June 2021. Collection method: clinical testing. Allele origin: germline. Affected: yes.

PreventionGenetics, part of Exact Sciences
Classification: Likely benign. Last evaluated: 2018-01-05. Review status: criteria provided, single submitter. Criteria: ACMG Guidelines, 2015. Collection method: clinical testing. Allele origin: germline.

Department of Pathology and Laboratory Medicine, Sinai Health System
Classification: Likely benign for Carcinoma of colon. Review status: no assertion criteria provided. Collection method: clinical testing. Allele origin: unknown. Affected: yes. Study: The Canadian Open Genetics Repository (COGR). Not counted in ClinVar's aggregate classification.
Comment: The POLE c.1795-13G>A variant was not identified in the literature. The variant was identified in dbSNP (rs749522265) as â€šÃ„Ãºwith likely benign alleleâ€šÃ„Ã¹, ClinVar (interpreted as "likely benign" by GeneDx and Prevention Genetics). The variant was identified in control databases in 2 of 245,234 chromosomes at a frequency of 0.000008 (Genome Aggregation Database Feb 27, 2017). The variant was observed in the following populations: Latino in 2 of 33,502 chromosomes (freq: 0.00006), but not in the African, Other, European, Ashkenazi Jewish, East Asian, Finnish, and South Asian populations. The variant occurs at a non-conserved nucleotide outside of the consensus splicing sequence and in silico or computational prediction software programs (SpliceSiteFinder, MaxEntScan, NNSPLICE, GeneSplicer) do not predict a difference in splicing. In summary, based on the above information the clinical significance of this variant cannot be determined with certainty at this time although we would lean towards a more benign role for this variant. This variant is classified as likely benign.

NM_006231.4(POLE):c.1795-13G>A

Gene: POLE (DNA polymerase epsilon, catalytic subunit; minus strand). Cytogenetic location: 12q24.33.
Variant type: single nucleotide variant.
Coding change: c.1795-13G>A on transcript NM_006231.4 (MANE Select); 13 bases into the intron before coding-DNA position 1795, G replaced by A.
Molecular consequence: intron variant.
Genome position (GRCh38, 1-based): chr12:132,668,952, C>T on the plus strand (G>A on the coding strand, the complement: POLE is on the minus strand). VCF-style: chr12-132668952-C-T. GRCh37 (hg19) VCF-style: chr12-133245538-C-T.
Identifiers: ClinVar variation 389172 (VCV000389172.15), dbSNP rs749522265, ClinGen allele CA6893806.